The following is an entry in ClinVar:

NM_014339.7(IL17RA):c.*4003G>T

Gene: IL17RA (interleukin 17 receptor A; plus strand). Cytogenetic location: 22q11.1.
Variant type: single nucleotide variant.
Coding change: c.*4003G>T on transcript NM_014339.7 (MANE Select); 4003 bases downstream of the stop codon, G replaced by T.
Molecular consequence: 3 prime UTR variant.
Genome position (GRCh38, 1-based): chr22:17,113,823, G>T. VCF-style: chr22-17113823-G-T. GRCh37 (hg19) VCF-style: chr22-17594713-G-T.
Other names: c.*4003G>T (NM_001289905.2).
Identifiers: ClinVar variation 896883 (VCV000896883.4), dbSNP rs143888540, ClinGen allele CA321156451.

ClinVar aggregate classification (germline): Likely benign (1 of 4 stars; one submission).

Conditions:
Immunodeficiency 51 (IMD51). Also called: CANDIDIASIS, FAMILIAL, 5. Identifiers: Orphanet 1334, MedGen C4310803, MONDO:0013500, OMIM 613953.

Allele frequency attached by ClinVar (database versions not stated): 1000 Genomes Project 0.00060; TOPMed 0.00071; 1000 Genomes Project 30x 0.00078.

Submission:

Illumina Laboratory Services, Illumina
Classification: Likely benign for Immunodeficiency 51. Last evaluated: 2018-01-12. Review status: criteria provided, single submitter. Criteria: ICSL Variant Classification Criteria 13 December 2019. Collection method: clinical testing. Allele origin: germline.
Comment: This variant was observed in the ICSL laboratory as part of a predisposition screen in an ostensibly healthy population. It had not been previously curated by ICSL or reported in the Human Gene Mutation Database (HGMD: prior to June 1st, 2018), and was therefore a candidate for classification through an automated scoring system. Utilizing variant allele frequency, disease prevalence and penetrance estimates, and inheritance mode, an automated score was calculated to assess if this variant is too frequent to cause the disease. Based on the score and internal cut-off values, a variant classified as likely benign is not then subjected to further curation. The score for this variant resulted in a classification of likely benign for this disease.